The following is an entry in ClinVar:

ClinVar aggregate classification (germline): Uncertain significance (1 of 4 stars; one submission).

gnomAD v4.1: 11 of 1,609,572 alleles (0.00068%); highest among the groups gnomAD compares: East Asian, 0.0022%; no homozygotes.

Submission:

Labcorp Genetics (formerly Invitae), Labcorp
Classification: Uncertain significance. Last evaluated: 2025-01-28. Review status: criteria provided, single submitter. Criteria: Invitae Variant Classification Sherloc (09022015). Collection method: clinical testing. Allele origin: germline.
Comment: This sequence change falls in intron 5 of the YWHAZ gene. It does not directly change the encoded amino acid sequence of the YWHAZ protein. It affects a nucleotide within the consensus splice site. This variant is present in population databases (no rsID available, gnomAD 0.006%). This variant has not been reported in the literature in individuals affected with YWHAZ-related conditions. Variants that disrupt the consensus splice site are a relatively common cause of aberrant splicing (PMID: 17576681, 9536098). Algorithms developed to predict the effect of sequence changes on RNA splicing suggest that this variant is not likely to affect RNA splicing. In summary, the available evidence is currently insufficient to determine the role of this variant in disease. Therefore, it has been classified as a Variant of Uncertain Significance.

Literature cited by the submitters: PubMed 17576681; PubMed 9536098.

NM_145690.3(YWHAZ):c.678+3A>G

Gene: YWHAZ (tyrosine 3-monooxygenase/tryptophan 5-monooxygenase activation protein zeta; minus strand). Cytogenetic location: 8q22.3.
Variant type: single nucleotide variant.
Coding change: c.678+3A>G on transcript NM_145690.3 (MANE Select); 3 bases into the intron after coding-DNA position 678, A replaced by G.
Molecular consequence: intron variant.
Genome position (GRCh38, 1-based): chr8:100,923,952, T>C on the plus strand (A>G on the coding strand, the complement: YWHAZ is on the minus strand). VCF-style: chr8-100923952-T-C. GRCh37 (hg19) VCF-style: chr8-101936180-T-C.
Other names: c.678+3A>G (NM_003406.4, NM_001135699.2, NM_001135700.2 and 2 more transcripts).
Identifiers: ClinVar variation 3707575 (VCV003707575.2).